The following is an entry in ClinVar:

NM_172351.3(CD46):c.784C>A (p.Leu262Ile)

Gene: CD46 (CD46 molecule; plus strand). Cytogenetic location: 1q32.2.
Variant type: single nucleotide variant.
Coding change: c.784C>A on transcript NM_172351.3 (MANE Select); coding-DNA position 784, C replaced by A.
Protein change: p.Leu262Ile; replaces leucine 262 with isoleucine.
Molecular consequence: missense variant.
Genome position (GRCh38, 1-based): chr1:207,767,123, C>A. VCF-style: chr1-207767123-C-A. GRCh37 (hg19) VCF-style: chr1-207940468-C-A.
Other names: c.784C>A, p.Leu262Ile (NM_002389.4, NM_153826.4, NM_172350.3 and 8 more transcripts); short protein forms L262I.
Identifiers: ClinVar variation 2980589 (VCV002980589.4), dbSNP rs761897540, ClinGen allele CA1371725.

ClinVar aggregate classification (germline): Uncertain significance. Review status: criteria provided, multiple submitters, no conflicts (2 of 4 stars). 2 submissions from 2 submitters: Uncertain significance (2). Last evaluated 2025-04-17.

Allele frequency attached by ClinVar (database versions not stated): ExAC 0.00001.
gnomAD v4.1: 2 of 1,613,810 alleles (0.00012%); highest among the groups gnomAD compares: Non-Finnish European, 0.000085%; no homozygotes.

Submissions (2):

Ambry Genetics
Classification: Uncertain significance. Last evaluated: 2025-04-17. Review status: criteria provided, single submitter. Criteria: Ambry Variant Classification Scheme 2023. Collection method: clinical testing. Allele origin: germline.

Labcorp Genetics (formerly Invitae), Labcorp
Classification: Uncertain significance. Last evaluated: 2024-05-08. Review status: criteria provided, single submitter. Criteria: Invitae Variant Classification Sherloc (09022015). Collection method: clinical testing. Allele origin: germline.
Comment: This sequence change replaces leucine, which is neutral and non-polar, with isoleucine, which is neutral and non-polar, at codon 262 of the CD46 protein (p.Leu262Ile). This variant is present in population databases (rs761897540, gnomAD 0.0009%). This variant has not been reported in the literature in individuals affected with CD46-related conditions. Advanced modeling of protein sequence and biophysical properties (such as structural, functional, and spatial information, amino acid conservation, physicochemical variation, residue mobility, and thermodynamic stability) performed at Invitae indicates that this missense variant is not expected to disrupt CD46 protein function with a negative predictive value of 80%. In summary, the available evidence is currently insufficient to determine the role of this variant in disease. Therefore, it has been classified as a Variant of Uncertain Significance.